The following is an entry in ClinVar:

NM_005475.3(SH2B3):c.485C>T (p.Ala162Val)

Gene: SH2B3 (SH2B adaptor protein 3; plus strand). Cytogenetic location: 12q24.12.
Variant type: single nucleotide variant.
Coding change: c.485C>T on transcript NM_005475.3 (MANE Select); coding-DNA position 485, C replaced by T.
Protein change: p.Ala162Val; replaces alanine 162 with valine.
Molecular consequence: missense variant.
Genome position (GRCh38, 1-based): chr12:111,418,630, C>T. VCF-style: chr12-111418630-C-T. GRCh37 (hg19) VCF-style: chr12-111856434-C-T.
Other names: short protein forms A162V.
Identifiers: ClinVar variation 4630773 (VCV004630773.1).

ClinVar aggregate classification (germline): Uncertain significance (1 of 4 stars; one submission).

Conditions:
Inborn genetic diseases. Identifiers: MedGen C0950123, MeSH D030342.

gnomAD v4.1: 4 of 1,466,312 alleles (0.00027%); highest among the groups gnomAD compares: Non-Finnish European, 0.000089%; no homozygotes.

Submission:

Ambry Genetics
Classification: Uncertain significance for Inborn genetic diseases. Last evaluated: 2025-11-29. Review status: criteria provided, single submitter. Criteria: Ambry Variant Classification Scheme 2023. Collection method: clinical testing. Allele origin: germline.
Comment: The p.A162V variant (also known as c.485C>T), located in coding exon 1 of the SH2B3 gene, results from a C to T substitution at nucleotide position 485. The alanine at codon 162 is replaced by valine, an amino acid with similar properties. This amino acid position is conserved. In addition, this alteration is predicted to be tolerated by in silico analysis. Based on the available evidence, the clinical significance of this variant remains unclear.